The following is an entry in ClinVar:

NM_000337.6(SGCD):c.799G>A (p.Ala267Thr)

Gene: SGCD (sarcoglycan delta; plus strand). Cytogenetic location: 5q33.3.
Variant type: single nucleotide variant.
Coding change: c.799G>A on transcript NM_000337.6 (MANE Select); coding-DNA position 799, G replaced by A.
Protein change: p.Ala267Thr; replaces alanine 267 with threonine.
Molecular consequence: missense variant.
Genome position (GRCh38, 1-based): chr5:156,759,316, G>A. VCF-style: chr5-156759316-G-A. GRCh37 (hg19) VCF-style: chr5-156186327-G-A.
Other names: c.796G>A, p.Ala266Thr (NM_001128209.2); short protein forms A267T, A266T.
Identifiers: ClinVar variation 657283 (VCV000657283.49), dbSNP rs772799792, ClinGen allele CA3530700.
Genomic context (GRCh38, chr5:156,759,316, plus strand): 5'-CCTCATGGATCCTACACGCCTACAGGAACGAGGCAGAAGGTCTTCGAGATCTGCGTCTGC[G>A]CCAATGGGAGATTATTCCTGTCTCAGGCAGGAGCTGGGTCCACTTGTCAGATAAACACAA-3'
Protein context (NP_000328.2, residues 257-277): RQKVFEICVC[Ala267Thr]NGRLFLSQAG

ClinVar aggregate classification (germline): Uncertain significance. Review status: criteria provided, multiple submitters, no conflicts (2 of 4 stars). 6 submissions from 5 submitters: Uncertain significance (6). Last evaluated 2023-11-23.

Conditions:
Autosomal recessive limb-girdle muscular dystrophy type 2F (LGMDR6). Also called: Muscular dystrophy limb-girdle with delta-sarcoglyan deficiency; MUSCULAR DYSTROPHY, LIMB-GIRDLE, AUTOSOMAL RECESSIVE 6. Identifiers: Orphanet 219, MedGen C1832525, MONDO:0011028, OMIM 601287. Disease mechanism: Affects gamma-sarcoglycan and also disrupts the integrity of the entire sarcoglycan complex..
Dilated cardiomyopathy 1L (CMD1L). Identifiers: Orphanet 154, MedGen C1847667, MONDO:0011702, OMIM 606685.
Inborn genetic diseases. Identifiers: MedGen C0950123, MeSH D030342.

Allele frequency attached by ClinVar (database versions not stated): TOPMed below 0.00001; ExAC 0.00001; gnomAD 0.00001; gnomAD exomes 0.00001.

Submissions (6):

Ambry Genetics
Classification: Uncertain significance for Inborn genetic diseases. Last evaluated: 2023-11-23. Review status: criteria provided, single submitter. Criteria: Ambry Variant Classification Scheme 2023. Collection method: clinical testing. Allele origin: germline.
Comment: The p.A267T variant (also known as c.799G>A), located in coding exon 8 of the SGCD gene, results from a G to A substitution at nucleotide position 799. The alanine at codon 267 is replaced by threonine, an amino acid with similar properties. This amino acid position is conserved. In addition, the in silico prediction for this alteration is inconclusive. Since supporting evidence is limited at this time, the clinical significance of this alteration remains unclear.

Genome-Nilou Lab
Classification: Uncertain significance for Autosomal recessive limb-girdle muscular dystrophy type 2F. Last evaluated: 2023-02-08. Review status: criteria provided, single submitter. Criteria: ACMG Guidelines, 2015. Collection method: clinical testing. Allele origin: germline.

Genome-Nilou Lab
Classification: Uncertain significance for Dilated cardiomyopathy 1L. Last evaluated: 2023-02-08. Review status: criteria provided, single submitter. Criteria: ACMG Guidelines, 2015. Collection method: clinical testing. Allele origin: germline.

Labcorp Genetics (formerly Invitae), Labcorp
Classification: Uncertain significance for Autosomal recessive limb-girdle muscular dystrophy type 2F. Last evaluated: 2022-10-18. Review status: criteria provided, single submitter. Criteria: Invitae Variant Classification Sherloc (09022015). Collection method: clinical testing. Allele origin: germline.
Comment: This sequence change replaces alanine, which is neutral and non-polar, with threonine, which is neutral and polar, at codon 267 of the SGCD protein (p.Ala267Thr). This variant is present in population databases (rs772799792, gnomAD 0.003%). This variant has not been reported in the literature in individuals affected with SGCD-related conditions. ClinVar contains an entry for this variant (Variation ID: 657283). Advanced modeling of protein sequence and biophysical properties (such as structural, functional, and spatial information, amino acid conservation, physicochemical variation, residue mobility, and thermodynamic stability) performed at Invitae indicates that this missense variant is not expected to disrupt SGCD protein function. In summary, the available evidence is currently insufficient to determine the role of this variant in disease. Therefore, it has been classified as a Variant of Uncertain Significance.

GeneDx
Classification: Uncertain significance. Last evaluated: 2019-05-22. Review status: criteria provided, single submitter. Criteria: GeneDx Variant Classification (06012015). Collection method: clinical testing. Allele origin: germline. Affected: yes.

CeGaT Center for Human Genetics Tuebingen
Classification: Uncertain significance. Last evaluated: 2017-07-01. Review status: criteria provided, single submitter. Criteria: CeGaT Center For Human Genetics Tuebingen Variant Classification Criteria Version 2. Collection method: clinical testing. Allele origin: germline. Affected: yes. Observed: 1 variant allele.